The following is an entry in ClinVar:

NM_001080453.3(INTS1):c.1298C>T (p.Ala433Val)

Gene: INTS1 (integrator complex subunit 1; minus strand). Cytogenetic location: 7p22.3.
Variant type: single nucleotide variant.
Coding change: c.1298C>T on transcript NM_001080453.3 (MANE Select); coding-DNA position 1298, C replaced by T.
Protein change: p.Ala433Val; replaces alanine 433 with valine.
Molecular consequence: missense variant.
Genome position (GRCh38, 1-based): chr7:1,498,539, G>A on the plus strand (C>T on the coding strand, the complement: INTS1 is on the minus strand). VCF-style: chr7-1498539-G-A. GRCh37 (hg19) VCF-style: chr7-1538175-G-A.
Other names: short protein forms A433V.
Identifiers: ClinVar variation 4880841 (VCV004880841.2).

ClinVar aggregate classification (germline): Uncertain significance (1 of 4 stars; one submission).

Conditions:
Neurodevelopmental disorder with cataracts, poor growth, and dysmorphic facies. Identifiers: MedGen C5231414, MONDO:0032817, OMIM 618571.

gnomAD v4.1: 96 of 1,613,742 alleles (0.0059%); highest among the groups gnomAD compares: Middle Eastern, 0.083%; no homozygotes.

Submission:

Dasa
Classification: Uncertain significance for Neurodevelopmental disorder with cataracts, poor growth, and dysmorphic facies. Last evaluated: 2026-04-09. Review status: criteria provided, single submitter. Criteria: DASA Assertion Criteria. Collection method: clinical testing. Allele origin: germline.
Comment: NM_001080453.3(INTS1):c.1298C>T (p.Ala433Val) is a missense variant that results in the substitution of alanine with valine. This variant is rare in population databases. The currently available literature and clinical evidence are not sufficient to establish a definitive association between this variant and the reported condition. Therefore, this variant is classified as a variant of uncertain significance.